The following is an entry in ClinVar:

NM_006079.5(CITED2):c.73G>C (p.Ala25Pro)

Gene: CITED2 (Cbp/p300 interacting transactivator with Glu/Asp rich carboxy-terminal domain 2; minus strand). Cytogenetic location: 6q24.1.
Variant type: single nucleotide variant.
Coding change: c.73G>C on transcript NM_006079.5 (MANE Select); coding-DNA position 73, G replaced by C.
Protein change: p.Ala25Pro; replaces alanine 25 with proline.
Molecular consequence: missense variant.
Genome position (GRCh38, 1-based): chr6:139,373,872, C>G on the plus strand (G>C on the coding strand, the complement: CITED2 is on the minus strand). VCF-style: chr6-139373872-C-G. GRCh37 (hg19) VCF-style: chr6-139695009-C-G.
Other names: c.73G>C, p.Ala25Pro (NM_001168388.3); c.88G>C, p.Ala30Pro (NM_001168389.3); c.73G>C (NM_006079.3); short protein forms A25P, A30P.
Identifiers: ClinVar variation 2631257 (VCV002631257.2), dbSNP rs373786537, ClinGen allele CA4025729.

ClinVar aggregate classification (germline): Uncertain significance. Review status: criteria provided, multiple submitters, no conflicts (2 of 4 stars). 2 submissions from 2 submitters: Uncertain significance (2). Last evaluated 2025-05-24.

Conditions:
Inborn genetic diseases. Identifiers: MedGen C0950123, MeSH D030342.
CITED2-related disorder. Also called: CITED2-related condition.

Allele frequency attached by ClinVar (database versions not stated): ExAC 0.00001; TOPMed 0.00002; gnomAD 0.00003; ESP Exome Variant Server 0.00008.
gnomAD v4.1: 75 of 1,602,582 alleles (0.0047%); highest among the groups gnomAD compares: Non-Finnish European, 0.0063%; no homozygotes.

Submissions (2):

Ambry Genetics
Classification: Uncertain significance for Inborn genetic diseases. Last evaluated: 2025-05-24. Review status: criteria provided, single submitter. Criteria: Ambry Variant Classification Scheme 2023. Collection method: clinical testing. Allele origin: germline.

PreventionGenetics, part of Exact Sciences
Classification: Uncertain significance for CITED2-related condition. Last evaluated: 2022-09-15. Review status: criteria provided, single submitter. Criteria: ACMG Guidelines, 2015. Collection method: clinical testing. Allele origin: germline.
Comment: The CITED2 c.88G>C variant is predicted to result in the amino acid substitution p.Ala30Pro. To our knowledge, this variant has not been reported in the literature. This variant is reported in 0.0040% of alleles in individuals of African descent in gnomAD. At this time, the clinical significance of this variant is uncertain due to the absence of conclusive functional and genetic evidence.